The following is an entry in ClinVar:

NM_016203.4(PRKAG2):c.521C>A (p.Thr174Lys)

Gene: PRKAG2 (protein kinase AMP-activated non-catalytic subunit gamma 2; minus strand). Cytogenetic location: 7q36.1.
Variant type: single nucleotide variant.
Coding change: c.521C>A on transcript NM_016203.4 (MANE Select); coding-DNA position 521, C replaced by A.
Protein change: p.Thr174Lys; replaces threonine 174 with lysine.
Molecular consequence: missense variant.
Genome position (GRCh38, 1-based): chr7:151,675,583, G>T on the plus strand (C>A on the coding strand, the complement: PRKAG2 is on the minus strand). VCF-style: chr7-151675583-G-T. GRCh37 (hg19) VCF-style: chr7-151372669-G-T.
Other names: p.T174K:ACG>AAG; c.389C>A, p.Thr130Lys (NM_001040633.2); c.149C>A, p.Thr50Lys (NM_001304527.2, NM_001363698.2); short protein forms T174K, T50K, T130K.
Identifiers: ClinVar variation 181462 (VCV000181462.1), dbSNP rs148056866, ClinGen allele CA014281.

ClinVar aggregate classification (germline): Likely benign (1 of 4 stars; one submission).

gnomAD v4.1: 1 of 1,614,146 alleles (0.000062%); highest among the groups gnomAD compares: Non-Finnish European, 0.000085%; no homozygotes.

Submission:

GeneDx
Classification: Likely benign. Last evaluated: 2011-10-20. Review status: criteria provided, single submitter. Criteria: GeneDx Variant Classification (06012015). Collection method: clinical testing. Allele origin: germline. Affected: yes.
Comment: This variant is considered likely benign or benign based on one or more of the following criteria: it is a conservative change, it occurs at a poorly conserved position in the protein, it is predicted to be benign by multiple in silico algorithms, and/or has population frequency not consistent with disease.